The following is an entry in ClinVar:

ClinVar aggregate classification (germline): Conflicting classifications of pathogenicity. Review status: criteria provided, conflicting classifications (1 of 4 stars). 2 submissions from 2 submitters: Uncertain significance (1); Likely benign (1). Last evaluated 2026-07-22.

Conditions:
UGT1A1-related disorder. Also called: UGT1A1-related condition; UGT1A1-related disorders.

gnomAD v4.1: 40 of 1,592,616 alleles (0.0025%); highest among the groups gnomAD compares: Non-Finnish European, 0.0033%; no homozygotes.

Submissions (2):

PreventionGenetics, part of Exact Sciences
Classification: Likely benign for UGT1A1-related condition. Last evaluated: 2026-07-22. Review status: criteria provided, single submitter. Criteria: ACMG Guidelines, 2015. Collection method: clinical testing. Allele origin: germline.
Comment: This variant is classified as likely benign based on ACMG/AMP sequence variant interpretation guidelines (Richards et al. 2015 PMID: 25741868, with internal and published modifications).

Blueprint Genetics
Classification: Uncertain significance. Last evaluated: 2021-11-12. Review status: criteria provided, single submitter. Criteria: ACMG Guidelines, 2015. Collection method: clinical testing. Allele origin: germline.

NC_000002.12:g.233760221A>G

Genes: UGT1A (UDP glucuronosyltransferase family 1 member A complex locus; plus strand), UGT1A1 (UDP glucuronosyltransferase family 1 member A1; plus strand), UGT1A10 (UDP glucuronosyltransferase family 1 member A10; plus strand), UGT1A3 (UDP glucuronosyltransferase family 1 member A3; plus strand), UGT1A4 (UDP glucuronosyltransferase family 1 member A4; plus strand) and 5 more. Cytogenetic location: 2q37.1.
Variant type: single nucleotide variant.
Molecular consequence: intron variant (on NM_019076.5).
Genome position: GRCh38 VCF-style: chr2-233760221-A-G. GRCh37 (hg19) VCF-style: chr2-234668867-A-G.
Other names: c.856-6813A>G (NM_019076.5, NM_019075.4, NM_021027.3 and 1 more transcripts); c.61-6813A>G (NM_205862.3); c.862-6813A>G (NM_001072.4); c.868-6813A>G (NM_019078.2, NM_007120.3, NM_019093.4).
Identifiers: ClinVar variation 4960660 (VCV004960660.2).